The following is an entry in ClinVar:

ClinVar aggregate classification (germline): Uncertain significance (1 of 4 stars; one submission).

Conditions:
Werner syndrome (WRN). Identifiers: Orphanet 902, MedGen C0043119, MONDO:0010196, OMIM 277700.

Allele frequency attached by ClinVar (database versions not stated): gnomAD exomes below 0.00001.
gnomAD v4.1: 1 of 1,613,938 alleles (0.000062%); highest among the groups gnomAD compares: Non-Finnish European, 0.000085%; no homozygotes.

Submission:

Labcorp Genetics (formerly Invitae), Labcorp
Classification: Uncertain significance for Werner syndrome. Last evaluated: 2024-07-29. Review status: criteria provided, single submitter. Criteria: Invitae Variant Classification Sherloc (09022015). Collection method: clinical testing. Allele origin: germline.
Comment: This sequence change replaces isoleucine, which is neutral and non-polar, with threonine, which is neutral and polar, at codon 257 of the WRN protein (p.Ile257Thr). This variant is not present in population databases (gnomAD no frequency). This variant has not been reported in the literature in individuals affected with WRN-related conditions. An algorithm developed to predict the effect of missense changes on protein structure and function (PolyPhen-2) suggests that this variant is likely to be disruptive. In summary, the available evidence is currently insufficient to determine the role of this variant in disease. Therefore, it has been classified as a Variant of Uncertain Significance.

NM_000553.6(WRN):c.770T>C (p.Ile257Thr)

Gene: WRN (WRN RecQ like helicase; plus strand). Cytogenetic location: 8p12.
Variant type: single nucleotide variant.
Coding change: c.770T>C on transcript NM_000553.6 (MANE Select); coding-DNA position 770, T replaced by C.
Protein change: p.Ile257Thr; replaces isoleucine 257 with threonine.
Molecular consequence: missense variant.
Genome position (GRCh38, 1-based): chr8:31,076,218, T>C. VCF-style: chr8-31076218-T-C. GRCh37 (hg19) VCF-style: chr8-30933734-T-C.
Other names: short protein forms I257T.
Identifiers: ClinVar variation 2853075 (VCV002853075.3), dbSNP rs2535901967, ClinGen allele CA370918469.
Genomic context (GRCh38, chr8:31,076,218, plus strand): 5'-TTTTTTTCCCCCTAGAGGAAGAAATCCTACTTAGCGACATGAACAAACAGTTGACTTCAA[T>C]CTCTGAGGAAGTGATGGATCTGGCTAAGCATCTTCCTCATGCTTTCAGTAAATTGGAAAA-3'
Protein context (NP_000544.2, residues 247-267): LSDMNKQLTS[Ile257Thr]SEEVMDLAKH